The following is an entry in ClinVar:

NM_003755.5(EIF3G):c.791C>G (p.Ser264Cys)

Gene: EIF3G (eukaryotic translation initiation factor 3 subunit G; minus strand). Cytogenetic location: 19p13.2.
Variant type: single nucleotide variant.
Coding change: c.791C>G on transcript NM_003755.5 (MANE Select); coding-DNA position 791, C replaced by G.
Protein change: p.Ser264Cys; replaces serine 264 with cysteine.
Molecular consequence: missense variant.
Genome position (GRCh38, 1-based): chr19:10,115,733, G>C on the plus strand (C>G on the coding strand, the complement: EIF3G is on the minus strand). VCF-style: chr19-10115733-G-C. GRCh37 (hg19) VCF-style: chr19-10226409-G-C.
Other names: short protein forms S264C.
Identifiers: ClinVar variation 4995305 (VCV004995305.1).
Genomic context (GRCh38, chr19:10,115,733, plus strand): 5'-TGCCTGCCCACCTTGGATTGGCCAGTGGTCTTGTCCTTAGCCAGGTAGATGCGGGAGATG[G>C]AGCCGAAAGGCCGGAAGAGCTCCTGCAGGTCGGTCTCACGCGTGTCCTCTGACAAGTTGG-3'
Protein context (NP_003746.2, residues 254-274): DLQELFRPFG[Ser264Cys]ISRIYLAKDK

ClinVar aggregate classification (germline): Uncertain significance (1 of 4 stars; one submission).

Conditions:
EIF3G-related condition.

Submission:

PreventionGenetics, part of Exact Sciences
Classification: Uncertain significance for EIF3G-related condition. Last evaluated: 2026-06-15. Review status: criteria provided, single submitter. Criteria: ACMG Guidelines, 2015. Collection method: clinical testing. Allele origin: germline.
Comment: The EIF3G c.791C>G variant is predicted to result in the amino acid substitution p.Ser264Cys. To our knowledge, this variant has not been reported in the literature or in a large population database (gnomAD), indicating this variant is rare. At this time, the clinical significance of this variant is uncertain due to the absence of conclusive functional and genetic evidence.